The following is an entry in ClinVar:

ClinVar aggregate classification (germline): Uncertain significance (1 of 4 stars; one submission).

Conditions:
Cardiovascular phenotype. Identifiers: MedGen CN230736.

gnomAD v4.1: 1 of 1,609,214 alleles (0.000062%); highest among the groups gnomAD compares: South Asian, 0.0011%; no homozygotes.

Submission:

Ambry Genetics
Classification: Uncertain significance for Cardiovascular phenotype. Last evaluated: 2026-09-11. Review status: criteria provided, single submitter. Criteria: Ambry Variant Classification Scheme 2023. Collection method: clinical testing. Allele origin: germline.
Comment: The p.V1104I variant (also known as c.3310G>A), located in coding exon 21 of the APOB gene, results from a G to A substitution at nucleotide position 3310. The valine at codon 1104 is replaced by isoleucine, an amino acid with highly similar properties. This amino acid position is conserved. In addition, this alteration is predicted to be tolerated by in silico analysis. Based on the available evidence, the clinical significance of this variant remains unclear.

NM_000384.3(APOB):c.3310G>A (p.Val1104Ile)

Gene: APOB (apolipoprotein B; minus strand). Cytogenetic location: 2p24.1.
Variant type: single nucleotide variant.
Coding change: c.3310G>A on transcript NM_000384.3 (MANE Select); coding-DNA position 3310, G replaced by A.
Protein change: p.Val1104Ile; replaces valine 1104 with isoleucine.
Molecular consequence: missense variant.
Genome position (GRCh38, 1-based): chr2:21,016,461, C>T on the plus strand (G>A on the coding strand, the complement: APOB is on the minus strand). VCF-style: chr2-21016461-C-T. GRCh37 (hg19) VCF-style: chr2-21239333-C-T.
Other names: short protein forms V1104I.
Identifiers: ClinVar variation 2553011 (VCV002553011.3), dbSNP rs751879781, ClinGen allele CA346009368.
Genomic context (GRCh38, chr2:21,016,461, plus strand): 5'-CCTGCAGTGCAGGTCAGATGACCCTCGGCCTTCTTTACCTTAGGTGGCCCATGAGGGCGA[C>T]CTCAGTAATTTTCTTGTTCTGAATGTCCAGGGTGAGTCTGTAAGACGTTTTGCCCTCAGT-3'
Protein context (NP_000375.3, residues 1094-1114): LDIQNKKITE[Val1104Ile]ALMGHLSCDT